The following is an entry in ClinVar:

ClinVar aggregate classification (germline): Uncertain significance (1 of 4 stars; one submission).

Conditions:
Developmental and epileptic encephalopathy, 72. Also called: EPILEPTIC ENCEPHALOPATHY, EARLY INFANTILE, 72. Identifiers: MedGen C5193063, MONDO:0032710, OMIM 618374.

Submission:

Dasa
Classification: Uncertain significance for Developmental and epileptic encephalopathy, 72. Last evaluated: 2025-08-21. Review status: criteria provided, single submitter. Criteria: DASA Assertion Criteria. Collection method: clinical testing. Allele origin: germline.
Comment: NM_006160.4(NEUROD2):c.306G>T (p.Lys102Asn) is a missense variant that results in the substitution of lysine with asparagine. This variant is rare in population databases. The currently available literature and clinical evidence are not sufficient to establish a definitive association between this variant and the reported condition. Therefore, this variant is classified as a variant of uncertain significance.

NM_006160.4(NEUROD2):c.306G>T (p.Lys102Asn)

Gene: NEUROD2 (neuronal differentiation 2; minus strand). Cytogenetic location: 17q12.
Variant type: single nucleotide variant.
Coding change: c.306G>T on transcript NM_006160.4 (MANE Select); coding-DNA position 306, G replaced by T.
Protein change: p.Lys102Asn; replaces lysine 102 with asparagine.
Molecular consequence: missense variant.
Genome position (GRCh38, 1-based): chr17:39,606,294, C>A on the plus strand (G>T on the coding strand, the complement: NEUROD2 is on the minus strand). VCF-style: chr17-39606294-C-A. GRCh37 (hg19) VCF-style: chr17-37762547-C-A.
Other names: short protein forms K102N.
Identifiers: ClinVar variation 4883359 (VCV004883359.2).